The following is an entry in ClinVar:

NM_000091.5(COL4A3):c.2937_2945del (p.981KGL[1])

Genes: COL4A3 (collagen type IV alpha 3 chain; plus strand), MFF-DT (MFF divergent transcript; minus strand). Cytogenetic location: 2q36.3.
Variant type: Deletion.
Coding change: c.2937_2945del on transcript NM_000091.5 (MANE Select); coding-DNA positions 2937 to 2945, 9 bases deleted (TTTAAAGGG; older notation c.2937_2945delTTTAAAGGG).
Protein change: p.981KGL[1].
Molecular consequence: inframe deletion.
Genome position (GRCh38, 1-based): chr2:227,289,205-227,289,213, TTTAAAGGG deleted; deleting any 9 consecutive bases within chr2:227,289,203-227,289,213 gives the same sequence; the c. name uses the placement nearest the transcript's 3' end. VCF-style (leftmost placement, unchanged base first): chr2-227289202-AGGTTTAAAG-A. GRCh37 (hg19) VCF-style: chr2-228153918-AGGTTTAAAG-A.
Identifiers: ClinVar variation 4531841 (VCV004531841.1).

ClinVar aggregate classification (germline): Likely pathogenic (1 of 4 stars; one submission).

Conditions:
Alport syndrome. Also called: Hemorrhagic familial nephritis; Hemorrhagic hereditary nephritis; Congenital hereditary hematuria. Identifiers: Orphanet 63, MedGen C1567741, MONDO:0018965.

Submission:

Victorian Clinical Genetics Services, Murdoch Childrens Research Institute
Classification: Likely pathogenic for Alport syndrome. Last evaluated: 2025-10-09. Review status: criteria provided, single submitter. Criteria: ACMG Guidelines, 2015. Collection method: clinical testing. Allele origin: germline. Affected: yes.
Comment: This variant is classified as Likely pathogenic. Evidence in support of pathogenic classification: In-frame insertion/deletion in a non-repetitive region that has low conservation; Variant is absent from gnomAD (v2, v3 and v4); Variant is located in the well-established functional Gly-X-Y motif in the collagen triple helical domain (DECIPHER). Additional information: This variant is heterozygous; This gene is associated with both recessive and dominant Alport syndrome (MONDO:0018965), COL4A3-related; This variant has no previous evidence of pathogenicity; No published evidence of segregation with disease has been identified for this variant; No published functional evidence has been identified for this variant; No comparable in-frame deletion variants have previous evidence for pathogenicity; Loss of function is a known mechanism of disease for this gene and is associated with Alport syndrome (MONDO:0018965), COL4A3-related. Dominant negative is a suspected mechanism of disease for glycine changes that are part of a G-X-Y repeat in the triple helix of a collagen domain (PMIDs: 12028435, 24046192, 38214412); Inheritance information for this variant is not currently available in this individual.

Literature cited by the submitters: PubMed 24046192; PubMed 38214412; PubMed 12028435.